The following is an entry in ClinVar:

NM_182961.4(SYNE1):c.19051G>A (p.Val6351Ile)

Gene: SYNE1 (spectrin repeat containing nuclear envelope protein 1; minus strand). Cytogenetic location: 6q25.2.
Variant type: single nucleotide variant.
Coding change: c.19051G>A on transcript NM_182961.4 (MANE Select); coding-DNA position 19051, G replaced by A.
Protein change: p.Val6351Ile; replaces valine 6351 with isoleucine.
Molecular consequence: missense variant.
Genome position (GRCh38, 1-based): chr6:152,256,687, C>T on the plus strand (G>A on the coding strand, the complement: SYNE1 is on the minus strand). VCF-style: chr6-152256687-C-T. GRCh37 (hg19) VCF-style: chr6-152577822-C-T.
Other names: c.18838G>A, p.Val6280Ile (NM_033071.5); short protein forms V6280I, V6351I.
Identifiers: ClinVar variation 1004917 (VCV001004917.8), dbSNP rs2090941359, ClinGen allele CA366138709.

ClinVar aggregate classification (germline): Uncertain significance (1 of 4 stars; one submission).

Conditions:
Autosomal recessive ataxia, Beauce type. Also called: ATAXIA, RECESSIVE, OF BEAUCE; Spinocerebellar ataxia, autosomal recessive 8; SYNE1-Related Autosomal Recessive Cerebellar Ataxia; SYNE1 Deficiency. Identifiers: Orphanet 88644, MedGen C1853116, MONDO:0012549, OMIM 610743.
Emery-Dreifuss muscular dystrophy 4, autosomal dominant (EDMD4). Also called: EMERY-DREIFUSS MUSCULAR DYSTROPHY 4 WITH VARIABLE FEATURES. Identifiers: Orphanet 261, MedGen C2751807, MONDO:0013071, OMIM 612998.

Submission:

Labcorp Genetics (formerly Invitae), Labcorp
Classification: Uncertain significance for Emery-Dreifuss muscular dystrophy 4, autosomal dominant; Autosomal recessive ataxia, Beauce type. Last evaluated: 2022-06-20. Review status: criteria provided, single submitter. Criteria: Invitae Variant Classification Sherloc (09022015). Collection method: clinical testing. Allele origin: germline.
Comment: In summary, the available evidence is currently insufficient to determine the role of this variant in disease. Therefore, it has been classified as a Variant of Uncertain Significance. Algorithms developed to predict the effect of missense changes on protein structure and function are either unavailable or do not agree on the potential impact of this missense change (SIFT: "Deleterious"; PolyPhen-2: "Benign"; Align-GVGD: "Class C25"). ClinVar contains an entry for this variant (Variation ID: 1004917). This variant has not been reported in the literature in individuals affected with SYNE1-related conditions. This variant is not present in population databases (gnomAD no frequency). This sequence change replaces valine, which is neutral and non-polar, with isoleucine, which is neutral and non-polar, at codon 6280 of the SYNE1 protein (p.Val6280Ile).